The following is an entry in ClinVar:

NM_018344.6(SLC29A3):c.1099G>A (p.Ala367Thr)

Gene: SLC29A3 (solute carrier family 29 member 3; plus strand). Cytogenetic location: 10q22.1.
Variant type: single nucleotide variant.
Coding change: c.1099G>A on transcript NM_018344.6 (MANE Select); coding-DNA position 1099, G replaced by A.
Protein change: p.Ala367Thr; replaces alanine 367 with threonine.
Molecular consequence: missense variant. On other transcripts: 3 prime UTR variant (1), non-coding transcript variant (2).
Genome position (GRCh38, 1-based): chr10:71,362,279, G>A. VCF-style: chr10-71362279-G-A. GRCh37 (hg19) VCF-style: chr10-73122036-G-A.
Other names: c.*328G>A (NM_001174098.2); c.865G>A, p.Ala289Thr (NM_001363518.2); short protein forms A367T, A289T.
Identifiers: ClinVar variation 1389414 (VCV001389414.5), dbSNP rs769137288, ClinGen allele CA5543120.

ClinVar aggregate classification (germline): Uncertain significance (1 of 4 stars; one submission).

Conditions:
H syndrome. Also called: HISTIOCYTOSIS AND LYMPHADENOPATHY WITH OR WITHOUT CUTANEOUS, CARDIAC, AND/OR ENDOCRINE FEATURES, JOINT CONTRACTURES, AND/OR DEAFNESS; HYPERPIGMENTATION, CUTANEOUS, WITH HYPERTRICHOSIS, HEPATOSPLENOMEGALY, HEART ANOMALIES, AND HYPOGONADISM WITH OR WITHOUT HEARING LOSS; PIGMENTED HYPERTRICHOSIS WITH INSULIN-DEPENDENT DIABETES MELLITUS; ROSAI-DORFMAN DISEASE, FAMILIAL; SINUS HISTIOCYTOSIS AND MASSIVE LYMPHADENOPATHY; Hyperpigmentation, Cutaneous, with Hypertrichosis, Hepatosplenomegaly, Heart Anomalies, Hearing Loss, and Hypogonadism. Identifiers: Orphanet 168569, MedGen C1864445, MONDO:0011273, OMIM 602782.

Allele frequency attached by ClinVar (database versions not stated): ExAC 0.00002; gnomAD exomes 0.00003; TOPMed 0.00003.
gnomAD v4.1: 17 of 1,613,936 alleles (0.0011%); highest among the groups gnomAD compares: Admixed American, 0.005%; no homozygotes.

Submission:

Labcorp Genetics (formerly Invitae), Labcorp
Classification: Uncertain significance for H syndrome. Last evaluated: 2025-05-04. Review status: criteria provided, single submitter. Criteria: Invitae Variant Classification Sherloc (09022015). Collection method: clinical testing. Allele origin: germline.
Comment: This sequence change replaces alanine, which is neutral and non-polar, with threonine, which is neutral and polar, at codon 367 of the SLC29A3 protein (p.Ala367Thr). This variant is present in population databases (rs769137288, gnomAD 0.005%). This variant has not been reported in the literature in individuals affected with SLC29A3-related conditions. ClinVar contains an entry for this variant (Variation ID: 1389414). Invitae Evidence Modeling of protein sequence and biophysical properties (such as structural, functional, and spatial information, amino acid conservation, physicochemical variation, residue mobility, and thermodynamic stability) indicates that this missense variant is not expected to disrupt SLC29A3 protein function with a negative predictive value of 80%. In summary, the available evidence is currently insufficient to determine the role of this variant in disease. Therefore, it has been classified as a Variant of Uncertain Significance.